The following is an entry in ClinVar:

NM_003126.4(SPTA1):c.3841C>G (p.Arg1281Gly)

Gene: SPTA1 (spectrin alpha, erythrocytic 1; minus strand). Cytogenetic location: 1q23.1.
Variant type: single nucleotide variant.
Coding change: c.3841C>G on transcript NM_003126.4 (MANE Select); coding-DNA position 3841, C replaced by G.
Protein change: p.Arg1281Gly; replaces arginine 1281 with glycine.
Molecular consequence: missense variant.
Genome position (GRCh38, 1-based): chr1:158,647,594, G>C on the plus strand (C>G on the coding strand, the complement: SPTA1 is on the minus strand). VCF-style: chr1-158647594-G-C. GRCh37 (hg19) VCF-style: chr1-158617384-G-C.
Other names: p.Arg1281Gly; short protein forms R1281G.
Identifiers: ClinVar variation 2058941 (VCV002058941.5), dbSNP rs199685020, ClinGen allele CA343033905.

ClinVar aggregate classification (germline): Uncertain significance. Review status: criteria provided, multiple submitters, no conflicts (2 of 4 stars). 2 submissions from 2 submitters: Uncertain significance (2). Last evaluated 2024-11-12.

Submissions (2):

Mayo Clinic Laboratories, Mayo Clinic
Classification: Uncertain significance. Last evaluated: 2024-11-12. Review status: criteria provided, single submitter. Criteria: ACMG Guidelines, 2015. Collection method: clinical testing. Allele origin: germline. Observed: 1 variant allele.
Comment: PM2_supporting

Labcorp Genetics (formerly Invitae), Labcorp
Classification: Uncertain significance. Last evaluated: 2022-03-26. Review status: criteria provided, single submitter. Criteria: Invitae Variant Classification Sherloc (09022015). Collection method: clinical testing. Allele origin: germline.
Comment: In summary, the available evidence is currently insufficient to determine the role of this variant in disease. Therefore, it has been classified as a Variant of Uncertain Significance. Algorithms developed to predict the effect of sequence changes on RNA splicing suggest that this variant may disrupt the consensus splice site. Algorithms developed to predict the effect of missense changes on protein structure and function (SIFT, PolyPhen-2, Align-GVGD) all suggest that this variant is likely to be disruptive. This variant has not been reported in the literature in individuals affected with SPTA1-related conditions. This variant is not present in population databases (gnomAD no frequency). This sequence change replaces arginine, which is basic and polar, with glycine, which is neutral and non-polar, at codon 1281 of the SPTA1 protein (p.Arg1281Gly).